The following is an entry in ClinVar:

ClinVar aggregate classification (germline): Pathogenic (1 of 4 stars; one submission).

Conditions:
Autosomal recessive polycystic kidney disease (ARPKD). Also called: AR polycystic kidney disease. Identifiers: Orphanet 731, Orphanet 8378, MedGen C0085548, MeSH D017044, MONDO:0009889.

Submission:

Women's Health and Genetics/Laboratory Corporation of America, LabCorp
Classification: Pathogenic for Autosomal recessive polycystic kidney disease. Last evaluated: 2025-11-10. Review status: criteria provided, single submitter. Criteria: LabCorp Variant Classification Summary - May 2015. Collection method: clinical testing. Allele origin: germline.
Comment: Variant summary: The variant involves the deletion of exons 44-49 in the PKHD1 gene. A presumed nomenclature of c.(6996+1_6997-1)_(7911+1_7912-1)del has been designated for the purposes of this classification. This Copy Number Variant (CNV) is predicted to result in an in-frame deletion within this gene. Loss-of-function variants in this gene are known to be pathogenic. The variant was absent in 21670 control chromosomes. To our knowledge, no occurrence of c.(6996+1_6997-1)_(7911+1_7912-1)del in individuals affected with PKHD1-related conditions and no experimental evidence demonstrating its impact on protein function have been reported. Variant(s) within the deleted region have been classified as pathogenic/likely pathogenic indicating the critical relevance of this region to protein function. No submitters have cited clinical-significance assessments for this variant to ClinVar. Based on the evidence outlined above, the variant was classified as pathogenic.

NC_000006.11:g.(51712769_51720690)_(51752044_51768394)del

Gene: PKHD1 (PKHD1 ciliary IPT domain containing fibrocystin/polyductin; minus strand). Cytogenetic location: 6p12.3.
Variant type: Deletion.
Identifiers: ClinVar variation 4536936 (VCV004536936.1).